The following is an entry in ClinVar:

NM_032119.4(ADGRV1):c.11682C>T (p.Pro3894=)

Gene: ADGRV1 (adhesion G protein-coupled receptor V1; plus strand). Cytogenetic location: 5q14.3.
Variant type: single nucleotide variant.
Coding change: c.11682C>T on transcript NM_032119.4 (MANE Select); coding-DNA position 11682, C replaced by T.
Protein change: p.Pro3894=; no amino-acid change (proline 3894 retained).
Molecular consequence: synonymous variant. On other transcripts: non-coding transcript variant (1).
Genome position (GRCh38, 1-based): chr5:90,756,555, C>T. VCF-style: chr5-90756555-C-T. GRCh37 (hg19) VCF-style: chr5-90052372-C-T.
Other names: p.Pro3894=.
Identifiers: ClinVar variation 46258 (VCV000046258.28), dbSNP rs2438349, ClinGen allele CA138007.

ClinVar aggregate classification (germline): Benign. Review status: criteria provided, multiple submitters, no conflicts (2 of 4 stars). 9 submissions from 9 submitters: Benign (8). 1 of the submissions does not count toward it. Last evaluated 2026-02-04.

Conditions:
Usher syndrome type 2C. Also called: Usher syndrome, type 2B; USHER SYNDROME, TYPE IIC. Identifiers: Orphanet 231178, Orphanet 886, MedGen C2931213, MONDO:0011558, OMIM 605472.

Allele frequency attached by ClinVar (database versions not stated): gnomAD exomes 0.48680 and 0.45954; ESP Exome Variant Server 0.52035; gnomAD 0.52111 and 0.52519; 1000 Genomes Project 0.53934; 1000 Genomes Project 30x 0.54247; TOPMed 0.54315; ExAC 0.48302.
gnomAD v4.1: 749,671 of 1,610,038 alleles (47%); highest among the groups gnomAD compares: African/African-American, 67%; 178,559 homozygotes.

Submissions (9):

Labcorp Genetics (formerly Invitae), Labcorp
Classification: Benign. Last evaluated: 2026-02-04. Review status: criteria provided, single submitter. Criteria: Invitae Variant Classification Sherloc (09022015). Collection method: clinical testing. Allele origin: germline.

Mayo Clinic Laboratories, Mayo Clinic
Classification: Benign. Last evaluated: 2020-10-02. Review status: criteria provided, single submitter. Criteria: ACMG Guidelines, 2015. Collection method: clinical testing. Allele origin: germline. Observed: 121 variant alleles.

Illumina Laboratory Services, Illumina
Classification: Benign for Usher syndrome type 2C. Last evaluated: 2018-01-13. Review status: criteria provided, single submitter. Criteria: ICSL Variant Classification Criteria 13 December 2019. Collection method: clinical testing. Allele origin: germline.
Comment: This variant was observed in the ICSL laboratory as part of a predisposition screen in an ostensibly healthy population. It had not been previously curated by ICSL or reported in the Human Gene Mutation Database (HGMD: prior to June 1st, 2018), and was therefore a candidate for classification through an automated scoring system. Utilizing variant allele frequency, disease prevalence and penetrance estimates, and inheritance mode, an automated score was calculated to assess if this variant is too frequent to cause the disease. Based on the score and internal cut-off values, a variant classified as benign is not then subjected to further curation. The score for this variant resulted in a classification of benign for this disease.

Athena Diagnostics
Classification: Benign. Last evaluated: 2017-04-20. Review status: criteria provided, single submitter. Criteria: Athena Diagnostics Criteria. Collection method: clinical testing. Allele origin: germline.

Eurofins Ntd Llc (ga)
Classification: Benign. Last evaluated: 2015-11-22. Review status: criteria provided, single submitter. Criteria: EGL Classification Definitions 2015. Collection method: clinical testing. Allele origin: germline. Observed: 2 variant alleles, 1 heterozygote, 1 homozygote.

GeneDx
Classification: Benign. Last evaluated: 2015-03-03. Review status: criteria provided, single submitter. Criteria: GeneDx Variant Classification Process June 2021. Collection method: clinical testing. Allele origin: germline. Affected: yes.

Laboratory for Molecular Medicine, Mass General Brigham Personalized Medicine
Classification: Benign. Last evaluated: 2010-01-29. Review status: criteria provided, single submitter. Criteria: LMM Criteria. Collection method: clinical testing. Allele origin: germline. Observed: 1,333 variant alleles.

PreventionGenetics, part of Exact Sciences
Classification: Benign. Review status: criteria provided, single submitter. Criteria: ACMG Guidelines, 2015. Collection method: clinical testing. Allele origin: germline.

Genetic Services Laboratory, University of Chicago
Classification: Likely benign. Review status: no assertion criteria provided. Collection method: clinical testing. Allele origin: germline. Inheritance: Autosomal dominant inheritance. Not counted in ClinVar's aggregate classification.
Comment: Likely benign based on allele frequency in 1000 Genomes Project or ESP global frequency and its presence in a patient with a rare or unrelated disease phenotype. NOT Sanger confirmed